The following is an entry in ClinVar:

ClinVar aggregate classification (germline): Likely benign. Review status: criteria provided, multiple submitters, no conflicts (2 of 4 stars). 2 submissions from 2 submitters: Likely benign (2). Last evaluated 2026-05-01.

Conditions:
Dilated cardiomyopathy 1G (CMD1G). Identifiers: Orphanet 154, MedGen C1858763, MONDO:0011400, OMIM 604145.
Autosomal recessive limb-girdle muscular dystrophy type 2J (LGMDR10). Also called: MUSCULAR DYSTROPHY, LIMB-GIRDLE, AUTOSOMAL RECESSIVE 10; Limb-girdle muscular dystrophy, type 2J. Identifiers: Orphanet 140922, MedGen C1837342, MONDO:0012127, OMIM 608807.

gnomAD v4.1: 2 of 1,613,700 alleles (0.00012%); highest among the groups gnomAD compares: Admixed American, 0.0033%; no homozygotes.

Submissions (2):

CeGaT Center for Human Genetics Tuebingen
Classification: Likely benign. Last evaluated: 2026-05-01. Review status: criteria provided, single submitter. Criteria: CeGaT Center For Human Genetics Tuebingen Variant Classification Criteria Version 2. Collection method: clinical testing. Allele origin: germline. Affected: yes. Observed: 1 variant allele.
Comment: TTN: BP4, BP7

Labcorp Genetics (formerly Invitae), Labcorp
Classification: Likely benign for Dilated cardiomyopathy 1G; Autosomal recessive limb-girdle muscular dystrophy type 2J. Last evaluated: 2024-12-31. Review status: criteria provided, single submitter. Criteria: Invitae Variant Classification Sherloc (09022015). Collection method: clinical testing. Allele origin: germline.

NM_001267550.2(TTN):c.87003T>C (p.Val29001=)

Genes: TTN (titin; minus strand), TTN-AS1 (TTN antisense RNA 1; plus strand). Cytogenetic location: 2q31.2.
Variant type: single nucleotide variant.
Coding change: c.87003T>C on transcript NM_001267550.2 (MANE Select); coding-DNA position 87003, T replaced by C.
Protein change: p.Val29001=; no amino-acid change (valine 29001 retained).
Molecular consequence: synonymous variant.
Genome position (GRCh38, 1-based): chr2:178,558,456, A>G on the plus strand (T>C on the coding strand, the complement: TTN is on the minus strand). VCF-style: chr2-178558456-A-G. GRCh37 (hg19) VCF-style: chr2-179423183-A-G.
Other names: c.82080T>C, p.Val27360= (NM_001256850.1); c.59808T>C, p.Val19936= (NM_003319.4); c.79299T>C, p.Val26433= (NM_133378.4); c.60183T>C, p.Val20061= (NM_133432.3); c.60384T>C, p.Val20128= (NM_133437.4).
Identifiers: ClinVar variation 1161249 (VCV001161249.11), dbSNP rs371894087, ClinGen allele CA430247739.